The following is an entry in ClinVar:

NM_000057.4(BLM):c.1391C>T (p.Ser464Phe)

Gene: BLM (BLM RecQ like helicase; plus strand). Cytogenetic location: 15q26.1.
Variant type: single nucleotide variant.
Coding change: c.1391C>T on transcript NM_000057.4 (MANE Select); coding-DNA position 1391, C replaced by T.
Protein change: p.Ser464Phe; replaces serine 464 with phenylalanine.
Molecular consequence: missense variant.
Genome position (GRCh38, 1-based): chr15:90,760,764, C>T. VCF-style: chr15-90760764-C-T. GRCh37 (hg19) VCF-style: chr15-91303994-C-T.
Other names: c.1391C>T, p.Ser464Phe (NM_001287246.2, NM_001287247.2); c.266C>T, p.Ser89Phe (NM_001287248.2); short protein forms S464F, S89F.
Identifiers: ClinVar variation 964159 (VCV000964159.9), dbSNP rs1303724070, ClinGen allele CA393842963.
Genomic context (GRCh38, chr15:90,760,764, plus strand): 5'-GCCCTACAGGGAATTCTATGAAGGAGTTAAATTTTTCACACCTTCCCTCAAATTCTGTTT[C>T]TCCTGGGGACTGTTTACTGACTACCACCCTAGGAAAGACAGGATTCTCTGCCACCAGGAA-3'
Protein context (NP_000048.1, residues 454-474): NFSHLPSNSV[Ser464Phe]PGDCLLTTTL

ClinVar aggregate classification (germline): Uncertain significance. Review status: criteria provided, multiple submitters, no conflicts (2 of 4 stars). 2 submissions from 2 submitters: Uncertain significance (2). Last evaluated 2025-12-28.

Conditions:
Hereditary cancer-predisposing syndrome. Also called: Tumor predisposition; Hereditary neoplastic syndrome; Hereditary Cancer Syndrome; Neoplastic Syndromes, Hereditary. Identifiers: Orphanet 140162, MedGen C0027672, MeSH D009386, MONDO:0015356.
Bloom syndrome (BLM). Also called: Bloom-Torre-Machacek syndrome. Identifiers: Orphanet 125, MedGen C0005859, MONDO:0008876, OMIM 210900.

Allele frequency attached by ClinVar (database versions not stated): gnomAD exomes below 0.00001; TOPMed 0.00001.
gnomAD v4.1: 2 of 1,614,034 alleles (0.00012%); highest among the groups gnomAD compares: Non-Finnish European, 0.00017%; no homozygotes.

Submissions (2):

Labcorp Genetics (formerly Invitae), Labcorp
Classification: Uncertain significance for Bloom syndrome. Last evaluated: 2025-12-28. Review status: criteria provided, single submitter. Criteria: Invitae Variant Classification Sherloc (09022015). Collection method: clinical testing. Allele origin: germline.
Comment: This sequence change replaces serine, which is neutral and polar, with phenylalanine, which is neutral and non-polar, at codon 464 of the BLM protein (p.Ser464Phe). This variant is not present in population databases (gnomAD no frequency). This variant has not been reported in the literature in individuals affected with BLM-related conditions. ClinVar contains an entry for this variant (Variation ID: 964159). Invitae Evidence Modeling of protein sequence and biophysical properties (such as structural, functional, and spatial information, amino acid conservation, physicochemical variation, residue mobility, and thermodynamic stability) indicates that this missense variant is not expected to disrupt BLM protein function with a negative predictive value of 80%. In summary, the available evidence is currently insufficient to determine the role of this variant in disease. Therefore, it has been classified as a Variant of Uncertain Significance.

Ambry Genetics
Classification: Uncertain significance for Hereditary cancer-predisposing syndrome. Last evaluated: 2024-02-29. Review status: criteria provided, single submitter. Criteria: Ambry Variant Classification Scheme 2023. Collection method: clinical testing. Allele origin: germline.
Comment: The p.S464F variant (also known as c.1391C>T), located in coding exon 6 of the BLM gene, results from a C to T substitution at nucleotide position 1391. The serine at codon 464 is replaced by phenylalanine, an amino acid with highly dissimilar properties. This amino acid position is conserved. In addition, this alteration is predicted to be tolerated by in silico analysis. Since supporting evidence is limited at this time, the clinical significance of this alteration remains unclear.